The following is an entry in ClinVar:

ClinVar aggregate classification (germline): Likely pathogenic (1 of 4 stars; one submission).

Conditions:
Marfan syndrome (MFS). Also called: MARFAN SYNDROME, TYPE I; Marfan syndrome type 1; Marfan's syndrome; Marfan syndrome, classic; FBN1-Related Marfan Syndrome. Identifiers: Orphanet 284963, Orphanet 558, MedGen C0024796, MONDO:0007947, OMIM 154700.
Familial thoracic aortic aneurysm and aortic dissection (TAAD). Also called: Thoracic aortic aneurysms and dissections. Identifiers: Orphanet 91387, MedGen C4707243, MONDO:0019625.

Submission:

Labcorp Genetics (formerly Invitae), Labcorp
Classification: Likely pathogenic for Marfan syndrome; Familial thoracic aortic aneurysm and aortic dissection. Last evaluated: 2021-05-07. Review status: criteria provided, single submitter. Criteria: Invitae Variant Classification Sherloc (09022015). Collection method: clinical testing. Allele origin: germline.
Comment: This variant, c.4996_5007del, results in the deletion of 4 amino acid(s) of the FBN1 protein (p.Thr1666_Asn1669del), but otherwise preserves the integrity of the reading frame. This variant is not present in population databases (ExAC no frequency). This variant has been observed in individual(s) with clinical features of Marfan syndrome (Invitae). In at least one individual the variant was observed to be de novo. Experimental studies and prediction algorithms are not available or were not evaluated, and the functional significance of this variant is currently unknown. In summary, the currently available evidence indicates that the variant is pathogenic, but additional data are needed to prove that conclusively. Therefore, this variant has been classified as Likely Pathogenic.

NM_000138.5(FBN1):c.4996_5007del (p.Thr1666_Asn1669del)

Gene: FBN1 (fibrillin 1; minus strand). Cytogenetic location: 15q21.1.
Variant type: Deletion.
Coding change: c.4996_5007del on transcript NM_000138.5 (MANE Select); coding-DNA positions 4996 to 5007, 12 bases deleted (ACCGTTGGCAAC).
Protein change: p.Thr1666_Asn1669del.
Molecular consequence: inframe deletion.
Genome position (GRCh38, 1-based): chr15:48,463,957-48,463,968, GTTGCCAACGGT deleted on the plus strand (ACCGTTGGCAAC on the coding strand, the reverse complement: FBN1 is on the minus strand); deleting any 12 consecutive bases within chr15:48,463,957-48,463,972 gives the same sequence; the c. name uses the placement nearest the transcript's 3' end. VCF-style (leftmost placement, unchanged base first): chr15-48463956-AGTTGCCAACGGT-A. GRCh37 (hg19) VCF-style: chr15-48756153-AGTTGCCAACGGT-A.
Identifiers: ClinVar variation 1465836 (VCV001465836.8), dbSNP rs2141267678, ClinGen allele CA2573150766.
Genomic context (GRCh38, chr15:48,463,956, plus strand): 5'-TACCCATGCAATTATTTCCCCCATTCACTTGCATGTAGTCTGGAGGACAGATACAGGTGT[AGTTGCCAACGGT>A]GTTGTAACATGTCCCTGGACCACAGATTCCAGGAGTCTCACATTCATTCACATCTATAAT-3'